The following is an entry in ClinVar:

NM_007294.4(BRCA1):c.2633C>T (p.Ala878Val)

Gene: BRCA1 (BRCA1 DNA repair associated; minus strand). Cytogenetic location: 17q21.31.
Variant type: single nucleotide variant.
Coding change: c.2633C>T on transcript NM_007294.4 (MANE Select); coding-DNA position 2633, C replaced by T.
Protein change: p.Ala878Val; replaces alanine 878 with valine.
Molecular consequence: missense variant. On other transcripts: intron variant (137).
Genome position (GRCh38, 1-based): chr17:43,092,898, G>A on the plus strand (C>T on the coding strand, the complement: BRCA1 is on the minus strand). VCF-style: chr17-43092898-G-A. GRCh37 (hg19) VCF-style: chr17-41244915-G-A.
Other names: c.2492C>T, p.Ala831Val (NM_001407725.1, NM_001407692.1, NM_001407694.1 and 29 more transcripts); c.2420C>T, p.Ala807Val (NM_001407571.1, NM_001407853.1, NM_001407894.1 and 9 more transcripts); c.2633C>T, p.Ala878Val (NM_001407581.1, NM_001407582.1, NM_001407583.1 and 30 more transcripts); c.2630C>T, p.Ala877Val (NM_001407587.1, NM_001407590.1, NM_001407591.1 and 22 more transcripts); c.2624C>T, p.Ala875Val (NM_001407646.1, NM_001407647.1); c.2510C>T, p.Ala837Val (NM_001407648.1, NM_001407664.1, NM_001407665.1 and 19 more transcripts); c.2507C>T, p.Ala836Val (NM_001407649.1, NM_001407670.1, NM_001407671.1 and 11 more transcripts); c.2555C>T, p.Ala852Val (NM_001407653.1, NM_001407654.1, NM_001407655.1 and 4 more transcripts); and 41 more; short protein forms A878V, A831V, A750V, A789V, A807V, A836V, A837V, A852V.
Identifiers: ClinVar variation 479220 (VCV000479220.13), dbSNP rs1555589255, ClinGen allele CA10596726.

ClinVar aggregate classification (germline): Conflicting classifications of pathogenicity. Review status: criteria provided, conflicting classifications (1 of 4 stars). 3 submissions from 3 submitters: Uncertain significance (2); Likely benign (1). Last evaluated 2023-03-23.

Conditions:
Hereditary cancer-predisposing syndrome. Also called: Neoplastic Syndromes, Hereditary; Hereditary Cancer Syndrome; Hereditary neoplastic syndrome; Tumor predisposition. Identifiers: Orphanet 140162, MedGen C0027672, MeSH D009386, MONDO:0015356.
Hereditary breast ovarian cancer syndrome. Also called: Hereditary breast and ovarian cancer syndrome (HBOC); Hereditary breast and ovarian cancer syndrome; Breast and ovarian cancer; BRCA1- and BRCA2-Associated Hereditary Breast and Ovarian Cancer; Hereditary breast and ovarian cancer; Hereditary breast and/or ovarian cancer syndrome. Identifiers: Orphanet 145, MedGen C0677776, MeSH D061325, MONDO:0003582. Disease mechanism: loss of function.

Submissions (3):

University of Washington Department of Laboratory Medicine, University of Washington
Classification: Likely benign for Hereditary cancer-predisposing syndrome. Last evaluated: 2023-03-23. Review status: criteria provided, single submitter. Criteria: Dines et al. (Genet Med. 2020). Collection method: curation. Allele origin: germline.
Comment: Missense variant in a coldspot region where missense variants are very unlikely to be pathogenic (PMID:31911673).

BRCA1 coldspot (exon 11 using historical exon numbering). Reclassification based on statistical prior probability

Labcorp Genetics (formerly Invitae), Labcorp
Classification: Uncertain significance for Hereditary breast ovarian cancer syndrome. Last evaluated: 2021-08-14. Review status: criteria provided, single submitter. Criteria: Invitae Variant Classification Sherloc (09022015). Collection method: clinical testing. Allele origin: germline.
Comment: This sequence change replaces alanine with valine at codon 878 of the BRCA1 protein (p.Ala878Val). The alanine residue is weakly conserved and there is a small physicochemical difference between alanine and valine. This variant is not present in population databases (ExAC no frequency). This variant has not been reported in the literature in individuals affected with BRCA1-related conditions. ClinVar contains an entry for this variant (Variation ID: 479220). Advanced modeling of protein sequence and biophysical properties (such as structural, functional, and spatial information, amino acid conservation, physicochemical variation, residue mobility, and thermodynamic stability) performed at Invitae indicates that this missense variant is not expected to disrupt BRCA1 protein function. In summary, the available evidence is currently insufficient to determine the role of this variant in disease. Therefore, it has been classified as a Variant of Uncertain Significance.

Ambry Genetics
Classification: Uncertain significance for Hereditary cancer-predisposing syndrome. Last evaluated: 2019-07-03. Review status: criteria provided, single submitter. Criteria: Ambry Variant Classification Scheme 2023. Collection method: clinical testing. Allele origin: germline.
Comment: The p.A878V variant (also known as c.2633C>T), located in coding exon 9 of the BRCA1 gene, results from a C to T substitution at nucleotide position 2633. The alanine at codon 878 is replaced by valine, an amino acid with similar properties. This amino acid position is poorly conserved in available vertebrate species. In addition, this alteration is predicted to be tolerated by in silico analysis. Since supporting evidence is limited at this time, the clinical significance of this alteration remains unclear.